The following is an entry in ClinVar:

NM_012434.5(SLC17A5):c.1021T>C (p.Cys341Arg)

Gene: SLC17A5 (solute carrier family 17 member 5; minus strand). Cytogenetic location: 6q13.
Variant type: single nucleotide variant.
Coding change: c.1021T>C on transcript NM_012434.5 (MANE Select); coding-DNA position 1021, T replaced by C.
Protein change: p.Cys341Arg; replaces cysteine 341 with arginine.
Molecular consequence: missense variant.
Genome position (GRCh38, 1-based): chr6:73,615,405, A>G on the plus strand (T>C on the coding strand, the complement: SLC17A5 is on the minus strand). VCF-style: chr6-73615405-A-G. GRCh37 (hg19) VCF-style: chr6-74325128-A-G.
Other names: c.1021T>C (NM_012434.4); c.790T>C, p.Cys264Arg (NM_001382629.1); c.1021T>C, p.Cys341Arg (NM_001382630.1, NM_001382633.1); c.1042T>C, p.Cys348Arg (NM_001382631.1); c.934T>C, p.Cys312Arg (NM_001382632.1); c.862T>C, p.Cys288Arg (NM_001382634.1); c.1018T>C, p.Cys340Arg (NM_001382635.1); c.703T>C, p.Cys235Arg (NM_001382636.1); short protein forms C264R, C340R, C235R, C348R, C312R, C341R, C288R.
Identifiers: ClinVar variation 1424179 (VCV001424179.10), dbSNP rs142972941, ClinGen allele CA3890365.

ClinVar aggregate classification (germline): Uncertain significance. Review status: criteria provided, multiple submitters, no conflicts (2 of 4 stars). 2 submissions from 2 submitters: Uncertain significance (2). Last evaluated 2025-09-18.

Conditions:
Inborn genetic diseases. Identifiers: MedGen C0950123, MeSH D030342.
Salla disease (SD). Also called: Less Severe FSASD (Salla Disease); Sialuria, Finnish type; N-acetylneuraminic acid (NANA) storage disease (NSD); Infantile sialic acid storage disorder (ISSD). Identifiers: Orphanet 309334, Orphanet 834, MedGen C1096903, MONDO:0011449, OMIM 604369.

Allele frequency attached by ClinVar (database versions not stated): gnomAD exomes 0.00002 and 0.00001; TOPMed 0.00002; ESP Exome Variant Server 0.00015; gnomAD 0.00001; ExAC 0.00002.
gnomAD v4.1: 37 of 1,613,956 alleles (0.0023%); highest among the groups gnomAD compares: Non-Finnish European, 0.0031%; no homozygotes.

Submissions (2):

Ambry Genetics
Classification: Uncertain significance for Inborn genetic diseases. Last evaluated: 2025-09-18. Review status: criteria provided, single submitter. Criteria: Ambry Variant Classification Scheme 2023. Collection method: clinical testing. Allele origin: germline.
Comment: The p.C341R variant (also known as c.1021T>C), located in coding exon 8 of the SLC17A5 gene, results from a T to C substitution at nucleotide position 1021. The cysteine at codon 341 is replaced by arginine, an amino acid with highly dissimilar properties. This amino acid position is conserved. In addition, the in silico prediction for this alteration is inconclusive. Based on the available evidence, the clinical significance of this variant remains unclear.

Labcorp Genetics (formerly Invitae), Labcorp
Classification: Uncertain significance for Salla disease. Last evaluated: 2024-02-26. Review status: criteria provided, single submitter. Criteria: Invitae Variant Classification Sherloc (09022015). Collection method: clinical testing. Allele origin: germline.
Comment: This sequence change replaces cysteine, which is neutral and slightly polar, with arginine, which is basic and polar, at codon 341 of the SLC17A5 protein (p.Cys341Arg). This variant is present in population databases (rs142972941, gnomAD 0.002%). This variant has not been reported in the literature in individuals affected with SLC17A5-related conditions. ClinVar contains an entry for this variant (Variation ID: 1424179). Advanced modeling of protein sequence and biophysical properties (such as structural, functional, and spatial information, amino acid conservation, physicochemical variation, residue mobility, and thermodynamic stability) performed at Invitae indicates that this missense variant is not expected to disrupt SLC17A5 protein function with a negative predictive value of 80%. In summary, the available evidence is currently insufficient to determine the role of this variant in disease. Therefore, it has been classified as a Variant of Uncertain Significance.